The following is an entry in ClinVar:

NM_014112.5(TRPS1):c.2958G>A (p.Glu986=)

Gene: TRPS1 (transcriptional repressor GATA binding 1; minus strand). Cytogenetic location: 8q23.3.
Variant type: single nucleotide variant.
Coding change: c.2958G>A on transcript NM_014112.5 (MANE Select); coding-DNA position 2958, G replaced by A.
Protein change: p.Glu986=; no amino-acid change (glutamic acid 986 retained).
Molecular consequence: synonymous variant.
Genome position (GRCh38, 1-based): chr8:115,414,950, C>T on the plus strand (G>A on the coding strand, the complement: TRPS1 is on the minus strand). VCF-style: chr8-115414950-C-T. GRCh37 (hg19) VCF-style: chr8-116427178-C-T.
Other names: c.2931G>A, p.Glu977= (NM_001282902.3); c.2937G>A, p.Glu979= (NM_001282903.3); c.2919G>A, p.Glu973= (NM_001330599.2); c.2958G>A (NM_014112.4).
Identifiers: ClinVar variation 2061677 (VCV002061677.6), dbSNP rs752741363, ClinGen allele CA4851544.

ClinVar aggregate classification (germline): Benign. Review status: criteria provided, single submitter (1 of 4 stars). 2 submissions from 2 submitters: Benign (1). 1 of the submissions does not count toward it. Last evaluated 2023-11-19.

Conditions:
Trichorhinophalangeal syndrome, type III (TRPS3). Also called: SUGIO-KAJII SYNDROME. Identifiers: Orphanet 77258, MedGen C1860823, OMIM 190351, MONDO:0008597.
Trichorhinophalangeal dysplasia type I (TRPS1). Also called: TRPS I; TRICHORHINOPHALANGEAL SYNDROME, TYPE I. Identifiers: Orphanet 77258, MedGen C0432233, MONDO:0008596, OMIM 190350.
TRPS1-related disorder. Also called: TRPS1-related condition.

Allele frequency attached by ClinVar (database versions not stated): gnomAD 0.00001; gnomAD exomes 0.00002; ExAC 0.00004.
gnomAD v4.1: 23 of 1,591,398 alleles (0.0014%); highest among the groups gnomAD compares: East Asian, 0.022%; no homozygotes.

Submissions (2):

Labcorp Genetics (formerly Invitae), Labcorp
Classification: Benign for Trichorhinophalangeal syndrome, type III; Trichorhinophalangeal dysplasia type I. Last evaluated: 2023-11-19. Review status: criteria provided, single submitter. Criteria: Invitae Variant Classification Sherloc (09022015). Collection method: clinical testing. Allele origin: germline.

PreventionGenetics, part of Exact Sciences
Classification: Likely benign for TRPS1-related condition. Last evaluated: 2019-08-20. Review status: no assertion criteria provided. Collection method: clinical testing. Allele origin: germline. Not counted in ClinVar's aggregate classification.
Comment: This variant is classified as likely benign based on ACMG/AMP sequence variant interpretation guidelines (Richards et al. 2015 PMID: 25741868, with internal and published modifications).